The following is an entry in ClinVar:

ClinVar aggregate classification (germline): Uncertain significance (1 of 4 stars; one submission).

Conditions:
Developmental and epileptic encephalopathy, 37 (DEE37). Also called: Epileptic encephalopathy, early infantile, 37. Identifiers: MedGen C4310770, MONDO:0014859, OMIM 616981.

Allele frequency attached by ClinVar (database versions not stated): gnomAD 0.00001; gnomAD exomes 0.00001; TOPMed 0.00001.
gnomAD v4.1: 13 of 1,613,928 alleles (0.00081%); highest among the groups gnomAD compares: Admixed American, 0.0017%; no homozygotes.

Submission:

Labcorp Genetics (formerly Invitae), Labcorp
Classification: Uncertain significance for Developmental and epileptic encephalopathy, 37. Last evaluated: 2022-03-29. Review status: criteria provided, single submitter. Criteria: Invitae Variant Classification Sherloc (09022015). Collection method: clinical testing. Allele origin: germline.
Comment: This sequence change replaces isoleucine, which is neutral and non-polar, with methionine, which is neutral and non-polar, at codon 223 of the FRRS1L protein (p.Ile223Met). This variant is not present in population databases (gnomAD no frequency). This variant has not been reported in the literature in individuals affected with FRRS1L-related conditions. Algorithms developed to predict the effect of missense changes on protein structure and function are either unavailable or do not agree on the potential impact of this missense change (SIFT: "Deleterious"; PolyPhen-2: "Probably Damaging"; Align-GVGD: "Class C0"). In summary, the available evidence is currently insufficient to determine the role of this variant in disease. Therefore, it has been classified as a Variant of Uncertain Significance.

NM_014334.4(FRRS1L):c.516A>G (p.Ile172Met)

Gene: FRRS1L (ferric chelate reductase 1 like; minus strand). Cytogenetic location: 9q31.3.
Variant type: single nucleotide variant.
Coding change: c.516A>G on transcript NM_014334.4 (MANE Select); coding-DNA position 516, A replaced by G.
Protein change: p.Ile172Met; replaces isoleucine 172 with methionine.
Molecular consequence: missense variant.
Genome position (GRCh38, 1-based): chr9:109,141,536, T>C on the plus strand (A>G on the coding strand, the complement: FRRS1L is on the minus strand). VCF-style: chr9-109141536-T-C. GRCh37 (hg19) VCF-style: chr9-111903816-T-C.
Other names: short protein forms I172M.
Identifiers: ClinVar variation 1990020 (VCV001990020.1), dbSNP rs968650190, ClinGen allele CA197563279.